The following is an entry in ClinVar:

ClinVar aggregate classification (germline): Pathogenic (1 of 4 stars; one submission).

Conditions:
Duchenne muscular dystrophy (DMD). Also called: MUSCULAR DYSTROPHY, PSEUDOHYPERTROPHIC PROGRESSIVE, DUCHENNE TYPE; Duchenne Muscular Dystrophy (DMD). Identifiers: Orphanet 98896, MedGen C0013264, MONDO:0010679, OMIM 310200.

Submission:

Labcorp Genetics (formerly Invitae), Labcorp
Classification: Pathogenic for Duchenne muscular dystrophy. Last evaluated: 2025-01-15. Review status: criteria provided, single submitter. Criteria: Invitae Variant Classification Sherloc (09022015). Collection method: clinical testing. Allele origin: germline.
Comment: This sequence change creates a premature translational stop signal (p.Ser1007*) in the DMD gene. It is expected to result in an absent or disrupted protein product. Loss-of-function variants in DMD are known to be pathogenic (PMID: 16770791, 25007885). This variant is not present in population databases (gnomAD no frequency). This variant has not been reported in the literature in individuals affected with DMD-related conditions. ClinVar contains an entry for this variant (Variation ID: 574223). For these reasons, this variant has been classified as Pathogenic.

Literature cited by the submitters: PubMed 16770791; PubMed 25007885.

NM_004006.3(DMD):c.3020C>A (p.Ser1007Ter)

Gene: DMD (dystrophin; minus strand). Cytogenetic location: Xp21.1.
Variant type: single nucleotide variant.
Coding change: c.3020C>A on transcript NM_004006.3 (MANE Select); coding-DNA position 3020, C replaced by A.
Protein change: p.Ser1007Ter; replaces serine 1007 with a stop codon.
Molecular consequence: nonsense.
Genome position (GRCh38, 1-based): chrX:32,468,640, G>T on the plus strand (C>A on the coding strand, the complement: DMD is on the minus strand). VCF-style: chrX-32468640-G-T. GRCh37 (hg19) VCF-style: chrX-32486757-G-T.
Other names: c.2996C>A, p.Ser999Ter (NM_000109.4); c.3008C>A, p.Ser1003Ter (NM_004009.3); c.2651C>A, p.Ser884Ter (NM_004010.3); short protein forms S1007*, S1003*, S999*, S884*.
Identifiers: ClinVar variation 574223 (VCV000574223.10), dbSNP rs144732570, ClinGen allele CA10379374.
Genomic context (GRCh38, chrX:32,468,640, plus strand): 5'-CCCTCAATTTCTTCAAATTCTGATTGATATTTCCGGCTAATTTCAGAGGGCGCTTTCTTC[G>T]ACATCTCTTTCACAGTGGTGCTGAGATAGTATAGGCCACTTTGTTGCTCTTGCAGAGAAC-3'